The following is an entry in ClinVar:

ClinVar aggregate classification (germline): Likely benign (0 of 4 stars; one submission).

Conditions:
EFNB1-related disorder. Also called: EFNB1-related condition.

Submission:

PreventionGenetics, part of Exact Sciences
Classification: Likely benign for EFNB1-related condition. Last evaluated: 2019-02-21. Review status: no assertion criteria provided. Collection method: clinical testing. Allele origin: germline.
Comment: This variant is classified as likely benign based on ACMG/AMP sequence variant interpretation guidelines (Richards et al. 2015 PMID: 25741868, with internal and published modifications).

NM_004429.5(EFNB1):c.1005G>T (p.Pro335=)

Gene: EFNB1 (ephrin B1; plus strand). Cytogenetic location: Xq13.1.
Variant type: single nucleotide variant.
Coding change: c.1005G>T on transcript NM_004429.5 (MANE Select); coding-DNA position 1005, G replaced by T.
Protein change: p.Pro335=; no amino-acid change (proline 335 retained).
Molecular consequence: synonymous variant.
Genome position (GRCh38, 1-based): chrX:68,840,618, G>T. VCF-style: chrX-68840618-G-T. GRCh37 (hg19) VCF-style: chrX-68060461-G-T.
Identifiers: ClinVar variation 3047493 (VCV003047493.2), dbSNP rs770643654, ClinGen allele CA517049700.
Genomic context (GRCh38, chrX:68,840,618, plus strand): 5'-CCACTATGAGAAGGTGAGTGGGGACTACGGGCACCCTGTCTACATCGTCCAAGAGATGCC[G>T]CCCCAGAGCCCGGCGAACATCTACTACAAGGTCTGAGTGCCCGGCACGGCCTCAGGCCCC-3'
Protein context (NP_004420.1, residues 325-345): GHPVYIVQEM[Pro335=]PQSPANIYYK